The following is an entry in ClinVar:

ClinVar aggregate classification (germline): Uncertain significance (1 of 4 stars; one submission).

Conditions:
Wilms tumor 1 (WT1). Also called: Wilms tumor, somatic. Identifiers: Orphanet 654, MedGen CN033288, MONDO:0008679, OMIM 194070.

Allele frequency attached by ClinVar (database versions not stated): gnomAD exomes below 0.00001 and 0.00001.
gnomAD v4.1: 2 of 1,202,868 alleles (0.00017%); highest among the groups gnomAD compares: Admixed American, 0.0044%; no homozygotes.

Submission:

Labcorp Genetics (formerly Invitae), Labcorp
Classification: Uncertain significance for Wilms tumor 1. Last evaluated: 2019-08-17. Review status: criteria provided, single submitter. Criteria: Invitae Variant Classification Sherloc (09022015). Collection method: clinical testing. Allele origin: germline.
Comment: This sequence change replaces histidine with arginine at codon 580 of the GPC3 protein (p.His580Arg). The histidine residue is weakly conserved and there is a small physicochemical difference between histidine and arginine. This variant is not present in population databases (ExAC no frequency). This variant has not been reported in the literature in individuals with GPC3-related conditions. Algorithms developed to predict the effect of missense changes on protein structure and function are either unavailable or do not agree on the potential impact of this missense change (SIFT: "Tolerated"; PolyPhen-2: "Probably Damaging"; Align-GVGD: "Class C0"). In summary, the available evidence is currently insufficient to determine the role of this variant in disease. Therefore, it has been classified as a Variant of Uncertain Significance.

NM_004484.4(GPC3):c.1739A>G (p.His580Arg)

Gene: GPC3 (glypican 3; minus strand). Cytogenetic location: Xq26.2.
Variant type: single nucleotide variant.
Coding change: c.1739A>G on transcript NM_004484.4 (MANE Select); coding-DNA position 1739, A replaced by G.
Protein change: p.His580Arg; replaces histidine 580 with arginine.
Molecular consequence: missense variant.
Genome position (GRCh38, 1-based): chrX:133,536,128, T>C on the plus strand (A>G on the coding strand, the complement: GPC3 is on the minus strand). VCF-style: chrX-133536128-T-C. GRCh37 (hg19) VCF-style: chrX-132670156-T-C.
Other names: c.1808A>G, p.His603Arg (NM_001164617.2); c.1691A>G, p.His564Arg (NM_001164618.2); c.1577A>G, p.His526Arg (NM_001164619.2); short protein forms H526R, H603R, H564R, H580R.
Identifiers: ClinVar variation 954675 (VCV000954675.10), dbSNP rs1449654880, ClinGen allele CA414702330.